The following is an entry in ClinVar:

NM_003664.5(AP3B1):c.1748C>T (p.Pro583Leu)

Gene: AP3B1 (adaptor related protein complex 3 subunit beta 1; minus strand). Cytogenetic location: 5q14.1.
Variant type: single nucleotide variant.
Coding change: c.1748C>T on transcript NM_003664.5 (MANE Select); coding-DNA position 1748, C replaced by T.
Protein change: p.Pro583Leu; replaces proline 583 with leucine.
Molecular consequence: missense variant.
Genome position (GRCh38, 1-based): chr5:78,129,210, G>A on the plus strand (C>T on the coding strand, the complement: AP3B1 is on the minus strand). VCF-style: chr5-78129210-G-A. GRCh37 (hg19) VCF-style: chr5-77425034-G-A.
Other names: c.1601C>T, p.Pro534Leu (NM_001271769.2); short protein forms P583L, P534L.
Identifiers: ClinVar variation 576065 (VCV000576065.15), dbSNP rs148023800, ClinGen allele CA3316970.

ClinVar aggregate classification (germline): Uncertain significance. Review status: criteria provided, multiple submitters, no conflicts (2 of 4 stars). 5 submissions from 5 submitters: Uncertain significance (5). Last evaluated 2026-02-23.

Conditions:
AP3B1-related disorder. Also called: AP3B1-related condition.
Hermansky-Pudlak syndrome 2 (HPS2). Also called: Platelet defects and oculocutaneous albinism. Identifiers: Orphanet 183678, Orphanet 79430, MedGen C1842362, MONDO:0011997, OMIM 608233.

Allele frequency attached by ClinVar (database versions not stated): gnomAD exomes 0.00005 and 0.00006; ExAC 0.00007; gnomAD 0.00010 and 0.00011; TOPMed 0.00011; ESP Exome Variant Server 0.00015; 1000 Genomes Project 0.00040; 1000 Genomes Project 30x 0.00047.
gnomAD v4.1: 91 of 1,612,850 alleles (0.0056%); highest among the groups gnomAD compares: East Asian, 0.069%; no homozygotes.

Submissions (5):

PreventionGenetics, part of Exact Sciences
Classification: Uncertain significance for AP3B1-related condition. Last evaluated: 2026-02-23. Review status: criteria provided, single submitter. Criteria: ACMG Guidelines, 2015. Collection method: clinical testing. Allele origin: germline.
Comment: The AP3B1 c.1748C>T variant is predicted to result in the amino acid substitution p.Pro583Leu. To our knowledge, this variant has not been reported in the literature. This variant is reported in 0.036% of alleles in individuals of African descent in gnomAD. At this time, the clinical significance of this variant is uncertain due to the absence of conclusive functional and genetic evidence.

Blueprint Genetics
Classification: Uncertain significance. Last evaluated: 2024-07-06. Review status: criteria provided, single submitter. Criteria: ACMG Guidelines, 2015. Collection method: clinical testing. Allele origin: germline.

Labcorp Genetics (formerly Invitae), Labcorp
Classification: Uncertain significance for Hermansky-Pudlak syndrome 2. Last evaluated: 2024-05-23. Review status: criteria provided, single submitter. Criteria: Invitae Variant Classification Sherloc (09022015). Collection method: clinical testing. Allele origin: germline.
Comment: This sequence change replaces proline, which is neutral and non-polar, with leucine, which is neutral and non-polar, at codon 583 of the AP3B1 protein (p.Pro583Leu). This variant is present in population databases (rs148023800, gnomAD 0.04%). This variant has not been reported in the literature in individuals affected with AP3B1-related conditions. ClinVar contains an entry for this variant (Variation ID: 576065). An algorithm developed to predict the effect of missense changes on protein structure and function (PolyPhen-2) suggests that this variant is likely to be disruptive. In summary, the available evidence is currently insufficient to determine the role of this variant in disease. Therefore, it has been classified as a Variant of Uncertain Significance.

GeneDx
Classification: Uncertain significance. Last evaluated: 2020-03-09. Review status: criteria provided, single submitter. Criteria: GeneDx Variant Classification Process June 2021. Collection method: clinical testing. Allele origin: germline. Affected: yes.
Comment: In silico analysis supports that this missense variant has a deleterious effect on protein structure/function; Has not been previously published as pathogenic or benign to our knowledge

Mayo Clinic Laboratories, Mayo Clinic
Classification: Uncertain significance. Last evaluated: 2019-06-03. Review status: criteria provided, single submitter. Criteria: ACMG Guidelines, 2015. Collection method: clinical testing. Allele origin: germline. Observed: 1 variant allele.